The following is an entry in ClinVar:

ClinVar aggregate classification (germline): Uncertain significance (1 of 4 stars; one submission).

Conditions:
Gastrointestinal stromal tumor. Also called: Gastrointestinal stromal tumor, somatic; Gastrointestinal stroma tumor. Identifiers: Orphanet 44890, MedGen C0238198, MeSH D046152, MONDO:0011719, OMIM 606764, HP:0100723.
Pheochromocytoma/paraganglioma syndrome 3. Also called: GLOMUS TUMORS, FAMILIAL, 3; SDHC-Related Hereditary Paraganglioma-Pheochromocytoma Syndrome (Paragangliomas 3); Paragangliomas 3; SDHC-Related Hereditary Paraganglioma-Pheochromocytoma Syndrome. Identifiers: Orphanet 29072, MedGen C1854336, MONDO:0011544, OMIM 605373.

Submission:

Labcorp Genetics (formerly Invitae), Labcorp
Classification: Uncertain significance for Pheochromocytoma/paraganglioma syndrome 3; Gastrointestinal stromal tumor. Last evaluated: 2025-09-11. Review status: criteria provided, single submitter. Criteria: Invitae Variant Classification Sherloc (09022015). Collection method: clinical testing. Allele origin: germline.
Comment: This sequence change replaces methionine, which is neutral and non-polar, with threonine, which is neutral and polar, at codon 87 of the SDHC protein (p.Met87Thr). This variant is not present in population databases (gnomAD no frequency). This variant has not been reported in the literature in individuals affected with SDHC-related conditions. ClinVar contains an entry for this variant (Variation ID: 1053857). An algorithm developed to predict the effect of missense changes on protein structure and function (PolyPhen-2) suggests that this variant is likely to be tolerated. In summary, the available evidence is currently insufficient to determine the role of this variant in disease. Therefore, it has been classified as a Variant of Uncertain Significance.

NM_003001.5(SDHC):c.260T>C (p.Met87Thr)

Gene: SDHC (succinate dehydrogenase complex subunit C; plus strand). Cytogenetic location: 1q23.3.
Variant type: single nucleotide variant.
Coding change: c.260T>C on transcript NM_003001.5 (MANE Select); coding-DNA position 260, T replaced by C.
Protein change: p.Met87Thr; replaces methionine 87 with threonine.
Molecular consequence: missense variant. On other transcripts: non-coding transcript variant (1), intron variant (3).
Genome position (GRCh38, 1-based): chr1:161,356,695, T>C. VCF-style: chr1-161356695-T-C. GRCh37 (hg19) VCF-style: chr1-161326485-T-C.
Other names: c.158T>C, p.Met53Thr (NM_001035512.3); c.101T>C, p.Met34Thr (NM_001035513.3); c.380T>C, p.Met127Thr (NM_001407115.1); c.203T>C, p.Met68Thr (NM_001407116.1); c.197T>C, p.Met66Thr (NM_001407117.1); c.152T>C, p.Met51Thr (NM_001407118.1); c.149T>C, p.Met50Thr (NM_001407119.1, NM_001407120.1); c.242-5634T>C (NM_001035511.3); and 2 more; short protein forms M34T, M53T, M87T, M50T, M127T, M66T, M68T, M51T.
Identifiers: ClinVar variation 1053857 (VCV001053857.6), dbSNP rs2102370399, ClinGen allele CA343456270.